The following is an entry in ClinVar:

NM_000059.4(BRCA2):c.4627A>C (p.Lys1543Gln)

Gene: BRCA2 (BRCA2 DNA repair associated; plus strand). Cytogenetic location: 13q13.1.
Variant type: single nucleotide variant.
Coding change: c.4627A>C on transcript NM_000059.4 (MANE Select); coding-DNA position 4627, A replaced by C.
Protein change: p.Lys1543Gln; replaces lysine 1543 with glutamine.
Molecular consequence: missense variant. On other transcripts: non-coding transcript variant (1), intron variant (2).
Genome position (GRCh38, 1-based): chr13:32,338,982, A>C. VCF-style: chr13-32338982-A-C. GRCh37 (hg19) VCF-style: chr13-32913119-A-C.
Other names: c.4627A>C, p.Lys1543Gln (NM_001406719.1, NM_001406720.1, NM_001432077.1); c.1910-5576A>C (NM_001406721.1); c.425-5576A>C (NM_001406722.1); short protein forms K1543Q.
Identifiers: ClinVar variation 3636478 (VCV003636478.2).
Genomic context (GRCh38, chr13:32,338,982, plus strand): 5'-GGTTTTCATACAGCTAGCGGGAAAAAAGTTAAAATTGCAAAGGAATCTTTGGACAAAGTG[A>C]AAAACCTTTTTGATGAAAAAGAGCAAGGTACTAGTGAAATCACCAGTTTTAGCCATCAAT-3'
Protein context (NP_000050.3, residues 1533-1553): KIAKESLDKV[Lys1543Gln]NLFDEKEQGT

ClinVar aggregate classification (germline): Uncertain significance (1 of 4 stars; one submission).

Conditions:
Hereditary breast ovarian cancer syndrome. Also called: Hereditary breast and ovarian cancer syndrome; Hereditary breast and ovarian cancer syndrome (HBOC); BRCA1- and BRCA2-Associated Hereditary Breast and Ovarian Cancer; Hereditary breast and ovarian cancer; Breast and ovarian cancer; Hereditary breast and/or ovarian cancer syndrome. Identifiers: Orphanet 145, MedGen C0677776, MeSH D061325, MONDO:0003582. Disease mechanism: loss of function.

Submission:

Labcorp Genetics (formerly Invitae), Labcorp
Classification: Uncertain significance for Hereditary breast ovarian cancer syndrome. Last evaluated: 2024-04-18. Review status: criteria provided, single submitter. Criteria: Invitae Variant Classification Sherloc (09022015). Collection method: clinical testing. Allele origin: germline.
Comment: This sequence change replaces lysine, which is basic and polar, with glutamine, which is neutral and polar, at codon 1543 of the BRCA2 protein (p.Lys1543Gln). This variant is not present in population databases (gnomAD no frequency). This variant has not been reported in the literature in individuals affected with BRCA2-related conditions. Advanced modeling of protein sequence and biophysical properties (such as structural, functional, and spatial information, amino acid conservation, physicochemical variation, residue mobility, and thermodynamic stability) performed at Invitae indicates that this missense variant is not expected to disrupt BRCA2 protein function with a negative predictive value of 95%. In summary, the available evidence is currently insufficient to determine the role of this variant in disease. Therefore, it has been classified as a Variant of Uncertain Significance.